The following is an entry in ClinVar:

NM_003126.4(SPTA1):c.2472C>T (p.Asp824=)

Gene: SPTA1 (spectrin alpha, erythrocytic 1; minus strand). Cytogenetic location: 1q23.1.
Variant type: single nucleotide variant.
Coding change: c.2472C>T on transcript NM_003126.4 (MANE Select); coding-DNA position 2472, C replaced by T.
Protein change: p.Asp824=; no amino-acid change (aspartic acid 824 retained).
Molecular consequence: synonymous variant.
Genome position (GRCh38, 1-based): chr1:158,661,402, G>A on the plus strand (C>T on the coding strand, the complement: SPTA1 is on the minus strand). VCF-style: chr1-158661402-G-A. GRCh37 (hg19) VCF-style: chr1-158631192-G-A.
Other names: p.Asp824=.
Identifiers: ClinVar variation 293014 (VCV000293014.32), dbSNP rs35856400, ClinGen allele CA1183380.

ClinVar aggregate classification (germline): Benign/Likely benign. Review status: criteria provided, multiple submitters, no conflicts (2 of 4 stars). 8 submissions from 6 submitters: Benign (3); Likely benign (5). Last evaluated 2026-01-29.

Conditions:
Hereditary spherocytosis type 3. Also called: Spherocytosis type 3; SPTA1-Related Spherocytosis. Identifiers: Orphanet 822, MedGen C2678338, MONDO:0010053, OMIM 270970.
Pyropoikilocytosis, hereditary. Also called: Pyropoikilocytosis. Identifiers: MedGen C0520739, MONDO:0009948, OMIM 266140, HP:0004839. Disease mechanism: loss of function.
Elliptocytosis 2 (EL2). Also called: ELLIPTOCYTOSIS, RHESUS-UNLINKED TYPE. Identifiers: Orphanet 288, MedGen C1851741, MONDO:0007533, OMIM 130600.

Allele frequency attached by ClinVar (database versions not stated): gnomAD exomes 0.00167 and 0.00412; ExAC 0.00455; ESP Exome Variant Server 0.01506; gnomAD 0.01596 and 0.01721; 1000 Genomes Project 0.01817; TOPMed 0.01848; 1000 Genomes Project 30x 0.02030.
gnomAD v4.1: 4,997 of 1,613,812 alleles (0.31%); highest among the groups gnomAD compares: African/African-American, 5.6%; 119 homozygotes.

Submissions (8):

Labcorp Genetics (formerly Invitae), Labcorp
Classification: Benign. Last evaluated: 2026-01-29. Review status: criteria provided, single submitter. Criteria: Invitae Variant Classification Sherloc (09022015). Collection method: clinical testing. Allele origin: germline.

Mayo Clinic Laboratories, Mayo Clinic
Classification: Likely benign. Last evaluated: 2025-11-04. Review status: criteria provided, single submitter. Criteria: ACMG Guidelines, 2015. Collection method: clinical testing. Allele origin: germline. Observed: 102 variant alleles.
Comment: BP4, BP7

ARUP Laboratories, Molecular Genetics and Genomics, ARUP Laboratories
Classification: Benign. Last evaluated: 2025-05-23. Review status: criteria provided, single submitter. Criteria: ARUP Molecular Germline Variant Investigation Process 2024. Collection method: clinical testing. Allele origin: germline.

Blueprint Genetics
Classification: Likely benign. Last evaluated: 2024-11-15. Review status: criteria provided, single submitter. Criteria: ACMG Guidelines, 2015. Collection method: clinical testing. Allele origin: germline.

Illumina Laboratory Services, Illumina
Classification: Benign for Elliptocytosis 2. Last evaluated: 2018-01-13. Review status: criteria provided, single submitter. Criteria: ICSL Variant Classification Criteria 13 December 2019. Collection method: clinical testing. Allele origin: germline.
Comment: This variant was observed in the ICSL laboratory as part of a predisposition screen in an ostensibly healthy population. It had not been previously curated by ICSL or reported in the Human Gene Mutation Database (HGMD: prior to June 1st, 2018), and was therefore a candidate for classification through an automated scoring system. Utilizing variant allele frequency, disease prevalence and penetrance estimates, and inheritance mode, an automated score was calculated to assess if this variant is too frequent to cause the disease. Based on the score and internal cut-off values, a variant classified as benign is not then subjected to further curation. The score for this variant resulted in a classification of benign for this disease.

Illumina Laboratory Services, Illumina
Classification: Likely benign for Hereditary spherocytosis type 3. Last evaluated: 2018-01-13. Review status: criteria provided, single submitter. Criteria: ICSL Variant Classification Criteria 13 December 2019. Collection method: clinical testing. Allele origin: germline.
Comment: This variant was observed in the ICSL laboratory as part of a predisposition screen in an ostensibly healthy population. It had not been previously curated by ICSL or reported in the Human Gene Mutation Database (HGMD: prior to June 1st, 2018), and was therefore a candidate for classification through an automated scoring system. Utilizing variant allele frequency, disease prevalence and penetrance estimates, and inheritance mode, an automated score was calculated to assess if this variant is too frequent to cause the disease. Based on the score and internal cut-off values, a variant classified as likely benign is not then subjected to further curation. The score for this variant resulted in a classification of likely benign for this disease.

Illumina Laboratory Services, Illumina
Classification: Likely benign for Pyropoikilocytosis, hereditary. Last evaluated: 2018-01-13. Review status: criteria provided, single submitter. Criteria: ICSL Variant Classification Criteria 13 December 2019. Collection method: clinical testing. Allele origin: germline.
Comment: the same text as in the submission from Illumina Laboratory Services, Illumina above.

Breakthrough Genomics
Classification: Likely benign. Review status: criteria provided, single submitter. Criteria: ACMG Guidelines, 2015. Collection method: not provided. Allele origin: germline. Inheritance: Autosomal recessive inheritance. Affected: yes.